The following is an entry in ClinVar:

ClinVar aggregate classification (germline): Likely benign. Review status: criteria provided, multiple submitters, no conflicts (2 of 4 stars). 2 submissions from 2 submitters: Likely benign (2). Last evaluated 2025-09-21.

Conditions:
Hypertrophic cardiomyopathy. Also called: HYPERTROPHIC MYOCARDIOPATHY. Identifiers: Orphanet 217569, MedGen C0007194, MeSH D002312, MONDO:0005045, HP:0001639.

Submissions (2):

Labcorp Genetics (formerly Invitae), Labcorp
Classification: Likely benign for Hypertrophic cardiomyopathy. Last evaluated: 2025-09-21. Review status: criteria provided, single submitter. Criteria: Invitae Variant Classification Sherloc (09022015). Collection method: clinical testing. Allele origin: germline.

All of Us Research Program, National Institutes of Health
Classification: Likely benign for Hypertrophic cardiomyopathy. Last evaluated: 2023-02-15. Review status: criteria provided, single submitter. Criteria: ACMG Guidelines, 2015. Collection method: clinical testing. Allele origin: germline. Inheritance: Autosomal dominant inheritance. Observed: 1 variant allele, 1 heterozygote.
Comment: This study involves interpretation of variants in research participants for the purpose of population health screening. Participant phenotype was not available at the time of variant classification. Additional details can be found in publication PMID: 35346344, PMCID: PMC8962531

NM_001018005.2(TPM1):c.493-9C>T

Gene: TPM1 (tropomyosin 1; plus strand). Cytogenetic location: 15q22.2.
Variant type: single nucleotide variant.
Coding change: c.493-9C>T on transcript NM_001018005.2 (MANE Select); 9 bases into the intron before coding-DNA position 493, C replaced by T.
Molecular consequence: intron variant.
Genome position (GRCh38, 1-based): chr15:63,060,860, C>T. VCF-style: chr15-63060860-C-T. GRCh37 (hg19) VCF-style: chr15-63353059-C-T.
Other names: c.619-9C>T (NM_001365778.1, NM_001407323.1, NM_001407322.1 and 1 more transcripts); c.493-9C>T (NM_001407336.1, NM_001018020.2, NM_001407338.1 and 20 more transcripts); c.385-9C>T (NM_001330351.2, NM_001330344.2, NM_001018008.2 and 9 more transcripts).
Identifiers: ClinVar variation 3069359 (VCV003069359.2), dbSNP rs2542805191, ClinGen allele CA2825002289.